The following is an entry in ClinVar:

ClinVar aggregate classification (germline): Uncertain significance (1 of 4 stars; one submission).

Conditions:
Hereditary cancer-predisposing syndrome. Also called: Tumor predisposition; Hereditary neoplastic syndrome; Hereditary Cancer Syndrome; Neoplastic Syndromes, Hereditary. Identifiers: Orphanet 140162, MedGen C0027672, MeSH D009386, MONDO:0015356.

Submission:

Ambry Genetics
Classification: Uncertain significance for Hereditary cancer-predisposing syndrome. Last evaluated: 2023-11-14. Review status: criteria provided, single submitter. Criteria: Ambry Variant Classification Scheme 2023. Collection method: clinical testing. Allele origin: germline.
Comment: The p.T127S variant (also known as c.380C>G), located in coding exon 3 of the MSH3 gene, results from a C to G substitution at nucleotide position 380. The threonine at codon 127 is replaced by serine, an amino acid with similar properties. This amino acid position is conserved. In addition, this alteration is predicted to be tolerated by in silico analysis. Since supporting evidence is limited at this time, the clinical significance of this alteration remains unclear.

NM_002439.5(MSH3):c.380C>G (p.Thr127Ser)

Gene: MSH3 (mutS homolog 3; plus strand). Cytogenetic location: 5q14.1.
Variant type: single nucleotide variant.
Coding change: c.380C>G on transcript NM_002439.5 (MANE Select); coding-DNA position 380, C replaced by G.
Protein change: p.Thr127Ser; replaces threonine 127 with serine.
Molecular consequence: missense variant.
Genome position (GRCh38, 1-based): chr5:80,665,164, C>G. VCF-style: chr5-80665164-C-G. GRCh37 (hg19) VCF-style: chr5-79960983-C-G.
Other names: short protein forms T127S.
Identifiers: ClinVar variation 3222298 (VCV003222298.1), dbSNP rs757177212, ClinGen allele CA360263017.